The following is an entry in ClinVar:

NM_004329.3(BMPR1A):c.636_641del (p.212QS[1])

Gene: BMPR1A (bone morphogenetic protein receptor type 1A; plus strand). Cytogenetic location: 10q23.2.
Variant type: Deletion.
Coding change: c.636_641del on transcript NM_004329.3 (MANE Select); coding-DNA positions 636 to 641, 6 bases deleted (GTCACA; older notation c.636_641delGTCACA).
Protein change: p.212QS[1].
Molecular consequence: inframe deletion. On other transcripts: non-coding transcript variant (3), intron variant (1).
Genome position (GRCh38, 1-based): chr10:86,912,345-86,912,350, GTCACA deleted; deleting any 6 consecutive bases within chr10:86,912,343-86,912,350 gives the same sequence; the c. name uses the placement nearest the transcript's 3' end. VCF-style (leftmost placement, unchanged base first): chr10-86912342-CCAGTCA-C. GRCh37 (hg19) VCF-style: chr10-88672099-CCAGTCA-C.
Other names: c.711_716del, p.237QS[1] (NM_001406559.1); c.684_689del, p.228QS[1] (NM_001406560.1); c.636_641del, p.212QS[1] (NM_001406561.1, NM_001406562.1, NM_001406563.1 and 20 more transcripts); c.552_557del, p.184QS[1] (NM_001406584.1, NM_001406585.1, NM_001406586.1 and 2 more transcripts); c.334-4789_334-4784del (NM_001406589.1).
Identifiers: ClinVar variation 3223960 (VCV003223960.1), dbSNP rs2539574061, ClinGen allele CA2610001543.
Genomic context (GRCh38, chr10:86,912,342, plus strand): 5'-TGATTTGGAACAGGATGAAGCATTTATTCCAGTTGGAGAATCACTAAAAGACCTTATTGA[CCAGTCA>C]CAAAGTTCTGGTAGTGGGTCTGGACTACCTTTATTGGTAAGTTAAACGTTCCTATAGACA-3'

ClinVar aggregate classification (germline): Uncertain significance (1 of 4 stars; one submission).

Conditions:
Hereditary cancer-predisposing syndrome. Also called: Tumor predisposition; Hereditary neoplastic syndrome; Hereditary Cancer Syndrome; Neoplastic Syndromes, Hereditary. Identifiers: Orphanet 140162, MedGen C0027672, MeSH D009386, MONDO:0015356.

Submission:

Ambry Genetics
Classification: Uncertain significance for Hereditary cancer-predisposing syndrome. Last evaluated: 2023-10-16. Review status: criteria provided, single submitter. Criteria: Ambry Variant Classification Scheme 2023. Collection method: clinical testing. Allele origin: germline.
Comment: The c.636_641delGTCACA variant (also known as p.Q214_S215del) is located in coding exon 6 of the BMPR1A gene. This variant results from an in-frame GTCACA deletion at nucleotide positions 636 to 641. This results in the in-frame deletion of a glutamine and a serine at codons 214 to 215. This amino acid region is highly conserved in available vertebrate species. In addition, this alteration is predicted to be neutral by in silico analysis (Choi Y et al. PLoS ONE. 2012; 7(10):e46688). Since supporting evidence is limited at this time, the clinical significance of this alteration remains unclear.